The following is an entry in ClinVar:

NM_001849.4(COL6A2):c.901G>A (p.Gly301Ser)

Gene: COL6A2 (collagen type VI alpha 2 chain; plus strand). Cytogenetic location: 21q22.3.
Variant type: single nucleotide variant.
Coding change: c.901G>A on transcript NM_001849.4 (MANE Select); coding-DNA position 901, G replaced by A.
Protein change: p.Gly301Ser; replaces glycine 301 with serine.
Molecular consequence: missense variant.
Genome position (GRCh38, 1-based): chr21:46,116,377, G>A. VCF-style: chr21-46116377-G-A. GRCh37 (hg19) VCF-style: chr21-47536291-G-A.
Other names: c.901G>A, p.Gly301Ser (NM_058174.3, NM_058175.3); short protein forms G301S.
Identifiers: ClinVar variation 283758 (VCV000283758.13), dbSNP rs886042705, ClinGen allele CA10604587.

ClinVar aggregate classification (germline): Pathogenic. Review status: criteria provided, multiple submitters, no conflicts (2 of 4 stars). 3 submissions from 3 submitters: Pathogenic (3). Last evaluated 2025-01-22.

Conditions:
Bethlem myopathy 1A. Also called: Bethlem myopathy 1; MYOPATHY, BENIGN CONGENITAL, WITH CONTRACTURES; Bethlem Muscular Dystrophy. Identifiers: Orphanet 610, MedGen CN029274, MONDO:0024530, OMIM 158810.

Submissions (3):

Labcorp Genetics (formerly Invitae), Labcorp
Classification: Pathogenic for Bethlem myopathy 1A. Last evaluated: 2025-01-22. Review status: criteria provided, single submitter. Criteria: Invitae Variant Classification Sherloc (09022015). Collection method: clinical testing. Allele origin: germline.
Comment: This sequence change replaces glycine, which is neutral and non-polar, with serine, which is neutral and polar, at codon 301 of the COL6A2 protein (p.Gly301Ser). This variant is not present in population databases (gnomAD no frequency). This missense change has been observed in individual(s) with clinical features of autosomal dominant COL6A2-related conditions (PMID: 24271325, 30564623). ClinVar contains an entry for this variant (Variation ID: 283758). An algorithm developed to predict the effect of missense changes on protein structure and function (PolyPhen-2) suggests that this variant is likely to be disruptive. This variant disrupts the triple helix domain of COL6A2. Glycine residues within the Gly-Xaa-Yaa repeats of the triple helix domain are required for the structure and stability of fibrillar collagens (PMID: 7695699, 8218237, 19344236). In COL6A2, missense variants at these glycine residues are significantly enriched in individuals with autosomal dominant disease (PMID: 15689448, 24038877) compared to the general population (ExAC). This variant disrupts the p.Gly301 amino acid residue in COL6A2. Other variant(s) that disrupt this residue have been observed in individuals with COL6A2-related conditions (PMID: 17785673, 24271325), which suggests that this may be a clinically significant amino acid residue. For these reasons, this variant has been classified as Pathogenic.

Revvity Omics, Revvity
Classification: Pathogenic. Last evaluated: 2019-08-31. Review status: criteria provided, single submitter. Criteria: ACMG Guidelines, 2015. Collection method: clinical testing. Allele origin: germline.

Eurofins Ntd Llc (ga)
Classification: Pathogenic. Last evaluated: 2017-08-31. Review status: criteria provided, single submitter. Criteria: EGL Classification Definitions 2015. Collection method: clinical testing. Allele origin: germline. Observed: 3 variant alleles, 3 heterozygotes.

Literature cited by the submitters: PubMed 24271325 (cited by Labcorp Genetics (formerly Invitae), Labcorp and Eurofins Ntd Llc (ga)); PubMed 30564623 (cited by Labcorp Genetics (formerly Invitae), Labcorp); PubMed 7695699 (cited by Labcorp Genetics (formerly Invitae), Labcorp); PubMed 8218237 (cited by Labcorp Genetics (formerly Invitae), Labcorp); PubMed 19344236 (cited by Labcorp Genetics (formerly Invitae), Labcorp); PubMed 15689448 (cited by Labcorp Genetics (formerly Invitae), Labcorp); PubMed 24038877 (cited by Labcorp Genetics (formerly Invitae), Labcorp); PubMed 17785673 (cited by Labcorp Genetics (formerly Invitae), Labcorp).